The following is an entry in ClinVar:

ClinVar aggregate classification (germline): Benign (1 of 4 stars; one submission).

Conditions:
Leigh syndrome (NULS). Also called: Leigh's necrotizing encephalopathy; Leigh's disease; Leigh Syndrome (mtDNA deletion); Leigh Disease; Subacute necrotizing encephalopathy; Necrotizing encephalopathy infantile subacute of Leigh. Identifiers: Orphanet 506, MedGen C2931891, MONDO:0009723, OMIM 256000.

Submission:

Wong Mito Lab, Molecular and Human Genetics, Baylor College of Medicine
Classification: Benign for Leigh syndrome. Last evaluated: 2019-10-17. Review status: criteria provided, single submitter. Criteria: Modified ACMG Guidelines (Unpublished). Collection method: clinical testing. Allele origin: germline.
Comment: The NC_012920.1:m.8462T>C (YP_003024030.1:p.Tyr33His) variant in MTATP8 gene is interpretated to be a Benign variant based on the modified ACMG guidelines (unpublished). This variant meets the following evidence codes: BS1, BS4

NC_012920.1(MT-ATP8):m.8462T>C

Gene: MT-ATP8 (mitochondrially encoded ATP synthase 8; plus strand).
Variant type: single nucleotide variant.
Genome position: chrM-8462-T-C.
Identifiers: ClinVar variation 692864 (VCV000692864.1), dbSNP rs1603221496, ClinGen allele CA414796199.